The following is an entry in ClinVar:

NM_030962.4(SBF2):c.4840G>A (p.Glu1614Lys)

Genes: SBF2 (SET binding factor 2; minus strand), SBF2-AS1 (SBF2 antisense RNA 1; plus strand), LOC105369149 (uncharacterized LOC105369149; plus strand). Cytogenetic location: 11p15.4.
Variant type: single nucleotide variant.
Coding change: c.4840G>A on transcript NM_030962.4 (MANE Select); coding-DNA position 4840, G replaced by A.
Protein change: p.Glu1614Lys; replaces glutamic acid 1614 with lysine.
Molecular consequence: missense variant.
Genome position (GRCh38, 1-based): chr11:9,789,201, C>T on the plus strand (G>A on the coding strand, the complement: SBF2 is on the minus strand). VCF-style: chr11-9789201-C-T. GRCh37 (hg19) VCF-style: chr11-9810748-C-T.
Other names: c.4936G>A, p.Glu1646Lys (NM_001386339.1); c.4711G>A, p.Glu1571Lys (NM_001386342.1); short protein forms E1614K, E1571K, E1646K.
Identifiers: ClinVar variation 970686 (VCV000970686.10), dbSNP rs1852578314, ClinGen allele CA379634027.

ClinVar aggregate classification (germline): Uncertain significance (1 of 4 stars; one submission).

Conditions:
Charcot-Marie-Tooth disease type 4. Also called: Charcot-Marie-Tooth disease, type IV; Charcot-Marie-Tooth, Type 4. Identifiers: Orphanet 64749, MedGen C4082197, MONDO:0018995.

Submission:

Labcorp Genetics (formerly Invitae), Labcorp
Classification: Uncertain significance for Charcot-Marie-Tooth disease type 4. Last evaluated: 2019-10-10. Review status: criteria provided, single submitter. Criteria: Invitae Variant Classification Sherloc (09022015). Collection method: clinical testing. Allele origin: germline.
Comment: This variant is not present in population databases (ExAC no frequency). This sequence change replaces glutamic acid with lysine at codon 1614 of the SBF2 protein (p.Glu1614Lys). The glutamic acid residue is weakly conserved and there is a small physicochemical difference between glutamic acid and lysine. This variant has not been reported in the literature in individuals with SBF2-related conditions. Algorithms developed to predict the effect of missense changes on protein structure and function (SIFT, PolyPhen-2, Align-GVGD) all suggest that this variant is likely to be tolerated, but these predictions have not been confirmed by published functional studies and their clinical significance is uncertain. In summary, the available evidence is currently insufficient to determine the role of this variant in disease. Therefore, it has been classified as a Variant of Uncertain Significance.